The following is an entry in ClinVar:

NM_032603.5(LOXL3):c.1036C>T (p.Arg346Trp)

Gene: LOXL3 (lysyl oxidase like 3; minus strand). Cytogenetic location: 2p13.1.
Variant type: single nucleotide variant.
Coding change: c.1036C>T on transcript NM_032603.5 (MANE Select); coding-DNA position 1036, C replaced by T.
Protein change: p.Arg346Trp; replaces arginine 346 with tryptophan.
Molecular consequence: missense variant. On other transcripts: 5 prime UTR variant (1).
Genome position (GRCh38, 1-based): chr2:74,536,348, G>A on the plus strand (C>T on the coding strand, the complement: LOXL3 is on the minus strand). VCF-style: chr2-74536348-G-A. GRCh37 (hg19) VCF-style: chr2-74763475-G-A.
Other names: R346W; c.601C>T, p.Arg201Trp (NM_001289164.3); c.-48C>T (NM_001289165.2); c.1036C>T (NM_032603.3); short protein forms R201W.
Identifiers: ClinVar variation 1343103 (VCV001343103.8), dbSNP rs367718984, ClinGen allele CA1729001.

ClinVar aggregate classification (germline): Conflicting classifications of pathogenicity. Review status: criteria provided, conflicting classifications (1 of 4 stars). 4 submissions from 4 submitters: Likely pathogenic (1); Uncertain significance (2). 1 of the submissions does not count toward it. Last evaluated 2025-12-30.

Conditions:
Myopia 28, autosomal recessive (MYP28). Identifiers: MedGen C5676935, MONDO:0030697, OMIM 619781.

Allele frequency attached by ClinVar (database versions not stated): TOPMed below 0.00001; gnomAD exomes 0.00001 and 0.00002; ExAC 0.00002; ESP Exome Variant Server 0.00008.
gnomAD v4.1: 12 of 1,614,046 alleles (0.00074%); highest among the groups gnomAD compares: Middle Eastern, 0.016%; no homozygotes.

Submissions (4):

GeneDx
Classification: Uncertain significance. Last evaluated: 2025-12-30. Review status: criteria provided, single submitter. Criteria: GeneDx Variant Classification Process June 2021. Collection method: clinical testing. Allele origin: germline. Affected: yes.
Comment: In silico analysis supports that this missense variant has a deleterious effect on protein structure/function; This variant is associated with the following publications: (PMID: 30362103, 31340433, 25663169, 36610533, 35885918)

Dubai Health Genomic Medicine Center, Dubai Health
Classification: Likely pathogenic for Myopia 28, autosomal recessive. Last evaluated: 2024-10-04. Review status: criteria provided, single submitter. Criteria: ACMG Guidelines, 2015. Collection method: research. Allele origin: germline. Affected: yes.
Comment: PP1,PM2,PP3,PM1

Labcorp Genetics (formerly Invitae), Labcorp
Classification: Uncertain significance. Last evaluated: 2021-08-28. Review status: criteria provided, single submitter. Criteria: Invitae Variant Classification Sherloc (09022015). Collection method: clinical testing. Allele origin: germline.
Comment: This sequence change replaces arginine with tryptophan at codon 346 of the LOXL3 protein (p.Arg346Trp). The arginine residue is highly conserved and there is a moderate physicochemical difference between arginine and tryptophan. This variant is present in population databases (rs367718984, ExAC 0.02%). This missense change has been observed in individual(s) with Stickler syndrome (PMID: 30362103). It has also been observed to segregate with disease in related individuals. Algorithms developed to predict the effect of missense changes on protein structure and function (SIFT, PolyPhen-2, Align-GVGD) all suggest that this variant is likely to be disruptive. In summary, the available evidence is currently insufficient to determine the role of this variant in disease. Therefore, it has been classified as a Variant of Uncertain Significance.

OMIM
Classification: Uncertain significance for VARIANT OF UNKNOWN SIGNIFICANCE. Last evaluated: 2015-04-01. Review status: no assertion criteria provided. Collection method: literature only. Allele origin: germline. Not counted in ClinVar's aggregate classification.

Literature cited by the submitters: PubMed 30362103 (cited by Labcorp Genetics (formerly Invitae), Labcorp and OMIM); PubMed 25663169 (cited by OMIM).